The following is an entry in ClinVar:

ClinVar aggregate classification (germline): Uncertain significance (1 of 4 stars; one submission).

Submission:

Labcorp Genetics (formerly Invitae), Labcorp
Classification: Uncertain significance. Last evaluated: 2022-03-23. Review status: criteria provided, single submitter. Criteria: Invitae Variant Classification Sherloc (09022015). Collection method: clinical testing. Allele origin: germline.
Comment: This sequence change replaces serine, which is neutral and polar, with asparagine, which is neutral and polar, at codon 197 of the TCIRG1 protein (p.Ser197Asn). This variant is not present in population databases (gnomAD no frequency). This variant has not been reported in the literature in individuals affected with TCIRG1-related conditions. Algorithms developed to predict the effect of missense changes on protein structure and function (SIFT, PolyPhen-2, Align-GVGD) all suggest that this variant is likely to be tolerated. Algorithms developed to predict the effect of sequence changes on RNA splicing suggest that this variant may disrupt the consensus splice site. In summary, the available evidence is currently insufficient to determine the role of this variant in disease. Therefore, it has been classified as a Variant of Uncertain Significance.

NM_006019.4(TCIRG1):c.590G>A (p.Ser197Asn)

Gene: TCIRG1 (T cell immune regulator 1, ATPase H+ transporting V0 subunit a3; plus strand). Cytogenetic location: 11q13.2.
Variant type: single nucleotide variant.
Coding change: c.590G>A on transcript NM_006019.4 (MANE Select); coding-DNA position 590, G replaced by A.
Protein change: p.Ser197Asn; replaces serine 197 with asparagine.
Molecular consequence: missense variant. On other transcripts: 5 prime UTR variant (2).
Genome position (GRCh38, 1-based): chr11:68,043,457, G>A. VCF-style: chr11-68043457-G-A. GRCh37 (hg19) VCF-style: chr11-67810924-G-A.
Other names: c.-321G>A (NM_001351059.2); c.-59G>A (NM_006053.4); short protein forms S197N.
Identifiers: ClinVar variation 2115904 (VCV002115904.1), dbSNP rs1274200414, ClinGen allele CA381577272.